The following is an entry in ClinVar:

ClinVar aggregate classification (germline): Uncertain significance. Review status: criteria provided, multiple submitters, no conflicts (2 of 4 stars). 2 submissions from 2 submitters: Uncertain significance (2). Last evaluated 2025-03-27.

Conditions:
Inborn genetic diseases. Identifiers: MedGen C0950123, MeSH D030342.

Allele frequency attached by ClinVar (database versions not stated): gnomAD 0.00009; TOPMed 0.00019; ExAC 0.00020.
gnomAD v4.1: 69 of 1,457,584 alleles (0.0047%); highest among the groups gnomAD compares: African/African-American, 0.035%; no homozygotes.

Submissions (2):

Labcorp Genetics (formerly Invitae), Labcorp
Classification: Uncertain significance. Last evaluated: 2025-03-27. Review status: criteria provided, single submitter. Criteria: Invitae Variant Classification Sherloc (09022015). Collection method: clinical testing. Allele origin: germline.
Comment: This sequence change replaces valine, which is neutral and non-polar, with leucine, which is neutral and non-polar, at codon 16 of the ATP5D protein (p.Val16Leu). This variant is present in population databases (rs112485896, gnomAD 0.02%). This variant has not been reported in the literature in individuals affected with ATP5D-related conditions. ClinVar contains an entry for this variant (Variation ID: 2712202). Experimental studies and prediction algorithms are not available or were not evaluated, and the functional significance of this variant is currently unknown. In summary, the available evidence is currently insufficient to determine the role of this variant in disease. Therefore, it has been classified as a Variant of Uncertain Significance.

Ambry Genetics
Classification: Uncertain significance for Inborn genetic diseases. Last evaluated: 2024-05-07. Review status: criteria provided, single submitter. Criteria: Ambry Variant Classification Scheme 2023. Collection method: clinical testing. Allele origin: germline.

NM_001687.5(ATP5F1D):c.46G>C (p.Val16Leu)

Gene: ATP5F1D (ATP synthase F1 subunit delta; plus strand). Cytogenetic location: 19p13.3.
Variant type: single nucleotide variant.
Coding change: c.46G>C on transcript NM_001687.5 (MANE Select); coding-DNA position 46, G replaced by C.
Protein change: p.Val16Leu; replaces valine 16 with leucine.
Molecular consequence: missense variant.
Genome position (GRCh38, 1-based): chr19:1,241,896, G>C. VCF-style: chr19-1241896-G-C. GRCh37 (hg19) VCF-style: chr19-1241895-G-C.
Other names: c.46G>C, p.Val16Leu (NM_001001975.2); c.46G>C (NM_001687.4); short protein forms V16L.
Identifiers: ClinVar variation 2712202 (VCV002712202.5), dbSNP rs112485896, ClinGen allele CA9040190.